The following is an entry in ClinVar:

NM_172107.4(KCNQ2):c.1510C>G (p.Arg504Gly)

Gene: KCNQ2 (potassium voltage-gated channel subfamily Q member 2; minus strand). Cytogenetic location: 20q13.33.
Variant type: single nucleotide variant.
Coding change: c.1510C>G on transcript NM_172107.4 (MANE Select); coding-DNA position 1510, C replaced by G.
Protein change: p.Arg504Gly; replaces arginine 504 with glycine.
Molecular consequence: missense variant.
Genome position (GRCh38, 1-based): chr20:63,414,918, G>C on the plus strand (C>G on the coding strand, the complement: KCNQ2 is on the minus strand). VCF-style: chr20-63414918-G-C. GRCh37 (hg19) VCF-style: chr20-62046271-G-C.
Other names: c.1456C>G, p.Arg486Gly (NM_001439003.1, NM_172106.3, NM_001382235.1); c.1426C>G, p.Arg476Gly (NM_001439004.1, NM_004518.6); c.1420C>G, p.Arg474Gly (NM_172108.5); short protein forms R474G, R476G, R486G, R504G.
Identifiers: ClinVar variation 4082611 (VCV004082611.2).

ClinVar aggregate classification (germline): Uncertain significance (1 of 4 stars; one submission).

Submission:

GeneDx
Classification: Uncertain significance. Last evaluated: 2026-07-10. Review status: criteria provided, single submitter. Criteria: GeneDx Variant Classification Process June 2021. Collection method: clinical testing. Allele origin: germline.
Comment: Not observed at significant frequency in large population cohorts (gnomAD); In silico analysis supports that this missense variant has a deleterious effect on protein structure/function; This substitution is predicted to be within the C-terminal cytoplasmic domain; Has not been previously published as pathogenic or benign to our knowledge